The following is an entry in ClinVar:

ClinVar aggregate classification (germline): Uncertain significance (1 of 4 stars; one submission).

Submission:

Labcorp Genetics (formerly Invitae), Labcorp
Classification: Uncertain significance. Last evaluated: 2022-09-19. Review status: criteria provided, single submitter. Criteria: Invitae Variant Classification Sherloc (09022015). Collection method: clinical testing. Allele origin: germline.
Comment: In summary, the available evidence is currently insufficient to determine the role of this variant in disease. Therefore, it has been classified as a Variant of Uncertain Significance. Advanced modeling of protein sequence and biophysical properties (such as structural, functional, and spatial information, amino acid conservation, physicochemical variation, residue mobility, and thermodynamic stability) performed at Invitae indicates that this missense variant is not expected to disrupt POLR1A protein function. This variant has not been reported in the literature in individuals affected with POLR1A-related conditions. This variant is not present in population databases (gnomAD no frequency). This sequence change replaces glutamic acid, which is acidic and polar, with aspartic acid, which is acidic and polar, at codon 1173 of the POLR1A protein (p.Glu1173Asp).

NM_015425.6(POLR1A):c.3519G>T (p.Glu1173Asp)

Gene: POLR1A (RNA polymerase I subunit A; minus strand). Cytogenetic location: 2p11.2.
Variant type: single nucleotide variant.
Coding change: c.3519G>T on transcript NM_015425.6 (MANE Select); coding-DNA position 3519, G replaced by T.
Protein change: p.Glu1173Asp; replaces glutamic acid 1173 with aspartic acid.
Molecular consequence: missense variant.
Genome position (GRCh38, 1-based): chr2:86,041,942, C>A on the plus strand (G>T on the coding strand, the complement: POLR1A is on the minus strand). VCF-style: chr2-86041942-C-A. GRCh37 (hg19) VCF-style: chr2-86269065-C-A.
Other names: short protein forms E1173D.
Identifiers: ClinVar variation 1719789 (VCV001719789.5), dbSNP rs2466340097, ClinGen allele CA347552971.
Genomic context (GRCh38, chr2:86,041,942, plus strand): 5'-TCAATACCTGTCGAGAGAAAGCTCTGATTTCTCATAACTCTTCTCTGTTTGAGCTGCCCA[C>A]TCTTGACTGTAGTCATCAACCTTTGTTTCAAATGTTTCTGACACTGATGCAAAGTAGATG-3'
Protein context (NP_056240.2, residues 1163-1183): FETKVDDYSQ[Glu1173Asp]WAAQTEKSYE